The following is an entry in ClinVar:

ClinVar aggregate classification (germline): Uncertain significance (1 of 4 stars; one submission).

Allele frequency attached by ClinVar (database versions not stated): gnomAD exomes 0.00002; TOPMed 0.00003; gnomAD 0.00005; 1000 Genomes Project 30x 0.00016; 1000 Genomes Project 0.00020; ExAC 0.00024.
gnomAD v4.1: 44 of 1,549,300 alleles (0.0028%); highest among the groups gnomAD compares: East Asian, 0.056%; no homozygotes.

Submission:

Labcorp Genetics (formerly Invitae), Labcorp
Classification: Uncertain significance. Last evaluated: 2022-02-28. Review status: criteria provided, single submitter. Criteria: Invitae Variant Classification Sherloc (09022015). Collection method: clinical testing. Allele origin: germline.
Comment: This sequence change replaces threonine, which is neutral and polar, with alanine, which is neutral and non-polar, at codon 2271 of the LAMA5 protein (p.Thr2271Ala). This variant is present in population databases (rs372690723, gnomAD 0.1%). This variant has not been reported in the literature in individuals affected with LAMA5-related conditions. Algorithms developed to predict the effect of missense changes on protein structure and function (SIFT, PolyPhen-2, Align-GVGD) all suggest that this variant is likely to be tolerated. In summary, the available evidence is currently insufficient to determine the role of this variant in disease. Therefore, it has been classified as a Variant of Uncertain Significance.

NM_005560.6(LAMA5):c.6811A>G (p.Thr2271Ala)

Gene: LAMA5 (laminin subunit alpha 5; minus strand). Cytogenetic location: 20q13.33.
Variant type: single nucleotide variant.
Coding change: c.6811A>G on transcript NM_005560.6 (MANE Select); coding-DNA position 6811, A replaced by G.
Protein change: p.Thr2271Ala; replaces threonine 2271 with alanine.
Molecular consequence: missense variant.
Genome position (GRCh38, 1-based): chr20:62,319,744, T>C on the plus strand (A>G on the coding strand, the complement: LAMA5 is on the minus strand). VCF-style: chr20-62319744-T-C. GRCh37 (hg19) VCF-style: chr20-60894800-T-C.
Other names: short protein forms T2271A.
Identifiers: ClinVar variation 2054566 (VCV002054566.1), dbSNP rs372690723, ClinGen allele CA9941546.